The following is an entry in ClinVar:

ClinVar aggregate classification (germline): Uncertain significance. Review status: criteria provided, multiple submitters, no conflicts (2 of 4 stars). 2 submissions from 2 submitters: Uncertain significance (2). Last evaluated 2025-06-29.

Conditions:
Familial meningioma. Also called: Meningioma, familial, susceptibility to. Identifiers: Orphanet 263662, MedGen C3551915, MONDO:0011789, OMIM 607174.
Hereditary cancer-predisposing syndrome. Also called: Hereditary Cancer Syndrome; Tumor predisposition; Hereditary neoplastic syndrome; Neoplastic Syndromes, Hereditary. Identifiers: Orphanet 140162, MedGen C0027672, MeSH D009386, MONDO:0015356.

Submissions (2):

Ambry Genetics
Classification: Uncertain significance for Hereditary cancer-predisposing syndrome. Last evaluated: 2025-06-29. Review status: criteria provided, single submitter. Criteria: Ambry Variant Classification Scheme 2023. Collection method: clinical testing. Allele origin: germline.
Comment: The p.V280A variant (also known as c.839T>C), located in coding exon 9 of the SMARCE1 gene, results from a T to C substitution at nucleotide position 839. The valine at codon 280 is replaced by alanine, an amino acid with similar properties. This amino acid position is conserved. In addition, the in silico prediction for this alteration is inconclusive. Based on the available evidence, the clinical significance of this variant remains unclear.

Labcorp Genetics (formerly Invitae), Labcorp
Classification: Uncertain significance for Familial meningioma. Last evaluated: 2024-07-08. Review status: criteria provided, single submitter. Criteria: Invitae Variant Classification Sherloc (09022015). Collection method: clinical testing. Allele origin: germline.
Comment: This sequence change replaces valine, which is neutral and non-polar, with alanine, which is neutral and non-polar, at codon 280 of the SMARCE1 protein (p.Val280Ala). This variant is not present in population databases (gnomAD no frequency). This variant has not been reported in the literature in individuals affected with SMARCE1-related conditions. Advanced modeling of protein sequence and biophysical properties (such as structural, functional, and spatial information, amino acid conservation, physicochemical variation, residue mobility, and thermodynamic stability) performed at Invitae indicates that this missense variant is expected to disrupt SMARCE1 protein function with a positive predictive value of 80%. In summary, the available evidence is currently insufficient to determine the role of this variant in disease. Therefore, it has been classified as a Variant of Uncertain Significance.

NM_003079.5(SMARCE1):c.839T>C (p.Val280Ala)

Gene: SMARCE1 (SWI/SNF related BAF chromatin remodeling complex subunit E1; minus strand). Cytogenetic location: 17q21.2.
Variant type: single nucleotide variant.
Coding change: c.839T>C on transcript NM_003079.5 (MANE Select); coding-DNA position 839, T replaced by C.
Protein change: p.Val280Ala; replaces valine 280 with alanine.
Molecular consequence: missense variant.
Genome position (GRCh38, 1-based): chr17:40,630,902, A>G on the plus strand (T>C on the coding strand, the complement: SMARCE1 is on the minus strand). VCF-style: chr17-40630902-A-G. GRCh37 (hg19) VCF-style: chr17-38787154-A-G.
Other names: short protein forms V280A.
Identifiers: ClinVar variation 3658967 (VCV003658967.3).
Genomic context (GRCh38, chr17:40,630,902, plus strand): 5'-TGCCTTTTGCGGGCCTGTTCCTCTGCCTGTGCAATCTCAGCTGCAATTTTCTCCATATCC[A>G]CTTCTACTTTCAGACCGCACAACTAATCAGAAAAAAACAGAACTCCGTAATGTTTTTTCC-3'
Protein context (NP_003070.3, residues 270-290): LKRLCGLKVE[Val280Ala]DMEKIAAEIA